The following is an entry in ClinVar:

ClinVar aggregate classification (germline): Likely pathogenic. Review status: criteria provided, single submitter (1 of 4 stars). 2 submissions from 2 submitters: Likely pathogenic (1). 1 of the submissions does not count toward it. Last evaluated 2025-06-12.

Conditions:
Hypothyroidism due to TSH receptor mutations. Also called: Hypothyroidism, congenital, nongoitrous, 1; HYPOTHYROIDISM DUE TO UNRESPONSIVENESS TO THYROTROPIN; HYPOTHYROIDISM, CONGENITAL, DUE TO TSH RESISTANCE; HYPOTHYROIDISM, NONAUTOIMMUNE; THYROID-STIMULATING HORMONE, RESISTANCE TO; TSH RESISTANCE. Identifiers: Orphanet 90673, MedGen C3493776, MONDO:0010142, OMIM 275200.

Allele frequency attached by ClinVar (database versions not stated): gnomAD exomes 0.00001; ExAC 0.00002.

Submissions (3):

Women's Health and Genetics/Laboratory Corporation of America, LabCorp
Classification: Likely pathogenic for Hypothyroidism due to TSH receptor mutations. Last evaluated: 2025-06-12. Review status: criteria provided, single submitter. Criteria: LabCorp Variant Classification Summary - May 2015. Collection method: clinical testing. Allele origin: germline.
Comment: Variant summary: TSHR c.1960A>T (p.Ile654Phe) results in a non-conservative amino acid change in the encoded protein sequence. Algorithms developed to predict the effect of missense changes on protein structure and function all suggest that this variant is likely to be disruptive. The variant allele was found at a frequency of 1.2e-05 in 251486 control chromosomes (gnomAD). c.1960A>T has been observed in individuals affected with Hypothyroidism Due To TSH Receptor Mutations (Sorapipatcharoen_2020). These data indicate that the variant is likely to be associated with disease. To our knowledge, no experimental evidence demonstrating an impact on protein function has been reported. The following publication has been ascertained in the context of this evaluation (PMID: 33310921). ClinVar contains an entry for this variant (Variation ID: 917861). Based on the evidence outlined above, the variant was classified as likely pathogenic.

Department of Pediatrics, Division of Medical Genetics, Faculty of Medicine Ramathibodi Hospital, Mahidol University
Classification: Likely pathogenic for Hypothyroidism due to TSH receptor mutations. Last evaluated: 2020-05-14. Review status: no assertion criteria provided. Collection method: research. Allele origin: germline. Inheritance: Autosomal recessive inheritance. Affected: yes. Observed: 1 homozygote. Not counted in ClinVar's aggregate classification.

Dr. Peter K. Rogan Lab, Western University
No classification provided (evidence only). Condition: Sarcoma. Review status: no classification provided. Collection method: in vitro. Allele origin: not applicable. Functional consequence: retained intron. Not counted in ClinVar's aggregate classification.

Literature cited by the submitters: PubMed 33310921 (cited by Women's Health and Genetics/Laboratory Corporation of America, LabCorp).

NM_000369.5(TSHR):c.1960A>T (p.Ile654Phe)

Genes: TSHR (thyroid stimulating hormone receptor; plus strand), TSHR-AS1 (TSHR antisense RNA 1; minus strand). Cytogenetic location: 14q31.1.
Variant type: single nucleotide variant.
Coding change: c.1960A>T on transcript NM_000369.5 (MANE Select); coding-DNA position 1960, A replaced by T.
Protein change: p.Ile654Phe; replaces isoleucine 654 with phenylalanine.
Molecular consequence: missense variant.
Genome position (GRCh38, 1-based): chr14:81,144,018, A>T. VCF-style: chr14-81144018-A-T. GRCh37 (hg19) VCF-style: chr14-81610362-A-T.
Other names: NC_000014.8:g.81610362A>T; short protein forms I654F.
Identifiers: ClinVar variation 917861 (VCV000917861.4), dbSNP rs767239688, ClinGen allele CA7294554.
Genomic context (GRCh38, chr14:81,144,018, plus strand): 5'-TTCATATGCATGGCCCCAATCTCATTCTATGCTCTGTCAGCAATTCTGAACAAGCCTCTC[A>T]TCACTGTTAGCAACTCCAAAATCTTGCTGGTACTCTTCTATCCACTTAACTCCTGTGCCA-3'
Protein context (NP_000360.2, residues 644-664): ALSAILNKPL[Ile654Phe]TVSNSKILLV